The following is an entry in ClinVar:

ClinVar aggregate classification (germline): Benign. Review status: criteria provided, single submitter (1 of 4 stars). 2 submissions from 2 submitters: Benign (1). 1 of the submissions does not count toward it. Last evaluated 2024-11-27.

Conditions:
ADAM22-related disorder. Also called: ADAM22-related condition.

Allele frequency attached by ClinVar (database versions not stated): gnomAD exomes 0.04708; ESP Exome Variant Server 0.05841; ExAC 0.06409; gnomAD 0.06709; TOPMed 0.07276; 1000 Genomes Project 0.08107; 1000 Genomes Project 30x 0.08260.
gnomAD v4.1: 78,558 of 1,590,260 alleles (4.9%); highest among the groups gnomAD compares: Admixed American, 13%; 2,605 homozygotes.

Submissions (2):

Blueprint Genetics
Classification: Benign. Last evaluated: 2024-11-27. Review status: criteria provided, single submitter. Criteria: ACMG Guidelines, 2015. Collection method: clinical testing. Allele origin: germline.

PreventionGenetics, part of Exact Sciences
Classification: Benign for ADAM22-related condition. Last evaluated: 2019-04-05. Review status: no assertion criteria provided. Collection method: clinical testing. Allele origin: germline. Not counted in ClinVar's aggregate classification.
Comment: This variant is classified as benign based on ACMG/AMP sequence variant interpretation guidelines (Richards et al. 2015 PMID: 25741868, with internal and published modifications).

NM_001324418.2(ADAM22):c.619G>A (p.Val207Ile)

Gene: ADAM22 (ADAM metallopeptidase domain 22; plus strand). Cytogenetic location: 7q21.12.
Variant type: single nucleotide variant.
Coding change: c.619G>A on transcript NM_001324418.2 (MANE Select); coding-DNA position 619, G replaced by A.
Protein change: p.Val207Ile; replaces valine 207 with isoleucine.
Molecular consequence: missense variant.
Genome position (GRCh38, 1-based): chr7:88,125,600, G>A. VCF-style: chr7-88125600-G-A. GRCh37 (hg19) VCF-style: chr7-87754915-G-A.
Other names: c.616G>A, p.Val206Ile (NM_001324417.2, NM_001324419.2, NM_001391978.1 and 2 more transcripts); c.619G>A, p.Val207Ile (NM_001324420.2, NM_001324421.2, NM_001391976.1 and 6 more transcripts); c.670G>A, p.Val224Ile (NM_001391975.1, NM_001391980.1, NM_001391982.1); short protein forms V206I, V207I, V224I.
Identifiers: ClinVar variation 3060180 (VCV003060180.3), dbSNP rs17255978, ClinGen allele CA4330269.